The following is an entry in ClinVar:

NM_001318895.3(FHL2):c.533A>C (p.Glu178Ala)

Genes: C2orf49 (chromosome 2 open reading frame 49; plus strand), FHL2 (four and a half LIM domains 2; minus strand). Cytogenetic location: 2q12.2.
Variant type: single nucleotide variant.
Coding change: c.533A>C on transcript NM_001318895.3 (MANE Select); coding-DNA position 533, A replaced by C.
Protein change: p.Glu178Ala; replaces glutamic acid 178 with alanine.
Molecular consequence: missense variant.
Genome position (GRCh38, 1-based): chr2:105,363,440, T>G on the plus strand (A>C on the coding strand, the complement: FHL2 is on the minus strand). VCF-style: chr2-105363440-T-G. GRCh37 (hg19) VCF-style: chr2-105979897-T-G.
Other names: c.533A>C, p.Glu178Ala (NM_001039492.3, NM_001318894.1, NM_001318896.2 and 4 more transcripts); c.191A>C, p.Glu64Ala (NM_001318897.2, NM_001318898.2); c.209A>C, p.Glu70Ala (NM_001318899.2); short protein forms E70A, E178A, E64A.
Identifiers: ClinVar variation 660869 (VCV000660869.6), dbSNP rs1009986435, ClinGen allele CA53348979.

ClinVar aggregate classification (germline): Uncertain significance (1 of 4 stars; one submission).

Conditions:
Primary dilated cardiomyopathy (DCM). Also called: Dilated Cardiomyopathy. Identifiers: Orphanet 217604, MedGen C0007193, MeSH D002311, MONDO:0005021, HP:0001644. Inheritance: Various modes of inheritance.

Allele frequency attached by ClinVar (database versions not stated): gnomAD exomes below 0.00001; TOPMed 0.00001.
gnomAD v4.1: 2 of 1,611,730 alleles (0.00012%); highest among the groups gnomAD compares: Non-Finnish European, 0.00017%; no homozygotes.

Submission:

Labcorp Genetics (formerly Invitae), Labcorp
Classification: Uncertain significance for Primary dilated cardiomyopathy. Last evaluated: 2018-11-15. Review status: criteria provided, single submitter. Criteria: Invitae Variant Classification Sherloc (09022015). Collection method: clinical testing. Allele origin: germline.
Comment: Algorithms developed to predict the effect of missense changes on protein structure and function are either unavailable or do not agree on the potential impact of this missense change (SIFT: "Deleterious"; PolyPhen-2: "Benign"; Align-GVGD: "Class C25"). This sequence change replaces glutamic acid with alanine at codon 178 of the FHL2 protein (p.Glu178Ala). The glutamic acid residue is moderately conserved and there is a moderate physicochemical difference between glutamic acid and alanine. This variant is not present in population databases (ExAC no frequency). This variant has not been reported in the literature in individuals with FHL2-related disease. In summary, the available evidence is currently insufficient to determine the role of this variant in disease. Therefore, it has been classified as a Variant of Uncertain Significance.